The following is an entry in ClinVar:

ClinVar aggregate classification (germline): Uncertain significance. Review status: criteria provided, multiple submitters, no conflicts (2 of 4 stars). 2 submissions from 2 submitters: Uncertain significance (2). Last evaluated 2024-06-08.

Conditions:
Retinoblastoma (RB1). Also called: RETINOBLASTOMA, SOMATIC. Identifiers: Orphanet 790, MedGen C0035335, MeSH D012175, MONDO:0008380, OMIM 180200, HP:0009919. Disease mechanism: loss of function. Inheritance: Both sporadic and heritable forms are tested..

Submissions (2):

Labcorp Genetics (formerly Invitae), Labcorp
Classification: Uncertain significance for Retinoblastoma. Last evaluated: 2024-06-08. Review status: criteria provided, single submitter. Criteria: Invitae Variant Classification Sherloc (09022015). Collection method: clinical testing. Allele origin: germline.
Comment: This variant occurs in a non-coding region of the RB1 gene. It does not change the encoded amino acid sequence of the RB1 protein. This variant is not present in population databases (gnomAD no frequency). This variant has not been reported in the literature in individuals affected with RB1-related conditions. ClinVar contains an entry for this variant (Variation ID: 882644). In summary, the available evidence is currently insufficient to determine the role of this variant in disease. Therefore, it has been classified as a Variant of Uncertain Significance.

Illumina Laboratory Services, Illumina
Classification: Uncertain significance for Retinoblastoma. Last evaluated: 2018-03-30. Review status: criteria provided, single submitter. Criteria: ICSL Variant Classification Criteria 13 December 2019. Collection method: clinical testing. Allele origin: germline.

NM_000321.3(RB1):c.-100A>T

Gene: RB1 (RB transcriptional corepressor 1; plus strand). Cytogenetic location: 13q14.2.
Variant type: single nucleotide variant.
Coding change: c.-100A>T on transcript NM_000321.3 (MANE Select); 100 bases upstream of the start codon, A replaced by T.
Molecular consequence: 5 prime UTR variant.
Genome position (GRCh38, 1-based): chr13:48,303,813, A>T. VCF-style: chr13-48303813-A-T. GRCh37 (hg19) VCF-style: chr13-48877949-A-T.
Identifiers: ClinVar variation 882644 (VCV000882644.6), dbSNP rs1952049790, ClinGen allele CA1139663281.
Genomic context (GRCh38, chr13:48,303,813, plus strand): 5'-TTGCCGGGCGGGGGAGGGCGCGTCCGGTTTTTCTCAGGGGACGTTGAAATTATTTTTGTA[A>T]CGGGAGTCGGGAGAGGACGGGGCGTGCCCCGACGTGCGCGCGCGTCGTCCTCCCCGGCGC-3'